The following is an entry in ClinVar:

NM_001205293.3(CACNA1E):c.2101A>G (p.Ile701Val)

Gene: CACNA1E (calcium voltage-gated channel subunit alpha1 E; plus strand). Cytogenetic location: 1q25.3.
Variant type: single nucleotide variant.
Coding change: c.2101A>G on transcript NM_001205293.3 (MANE Select); coding-DNA position 2101, A replaced by G.
Protein change: p.Ile701Val; replaces isoleucine 701 with valine.
Molecular consequence: missense variant.
Genome position (GRCh38, 1-based): chr1:181,724,496, A>G. VCF-style: chr1-181724496-A-G. GRCh37 (hg19) VCF-style: chr1-181693632-A-G.
Other names: c.2101A>G, p.Ile701Val (NM_000721.4, NM_001205294.2); short protein forms I701V.
Identifiers: ClinVar variation 617451 (VCV000617451.10), dbSNP rs1558308998, ClinGen allele CA343628397.
Genomic context (GRCh38, chr1:181,724,496, plus strand): 5'-TTCTTATTTGCCCATCCTTAATTCATCACCCCAGACACGCTACTGAATGTGTTCTTGGCT[A>G]TCGCTGTGGATAATCTCGCCAACGCCCAGGAACTGACCAAGGTAAGCATTGTTTTCTGGG-3'
Protein context (NP_001192222.1, residues 691-711): NYTLLNVFLA[Ile701Val]AVDNLANAQE

ClinVar aggregate classification (germline): Pathogenic. Review status: criteria provided, multiple submitters, no conflicts (2 of 4 stars). 5 submissions from 5 submitters: Pathogenic (2). 3 of the submissions do not count toward it. Last evaluated 2023-04-04.

Conditions:
CACNA1E-related disorder. Also called: CACNA1E-related condition.
Developmental and epileptic encephalopathy, 69. Also called: EPILEPTIC ENCEPHALOPATHY, EARLY INFANTILE, 69. Identifiers: MedGen C4748988, MONDO:0032657, OMIM 618285.
Developmental and epileptic encephalopathy. Identifiers: MedGen C5779964, MONDO:0100620.

Submissions (5):

Blueprint Genetics
Classification: Pathogenic for CACNA1E-related disorders. Last evaluated: 2023-04-04. Review status: criteria provided, single submitter. Criteria: ACMG Guidelines, 2015. Collection method: clinical testing. Allele origin: germline. Affected: yes. Observed: 1 variant allele.

Labcorp Genetics (formerly Invitae), Labcorp
Classification: Pathogenic. Last evaluated: 2022-07-06. Review status: criteria provided, single submitter. Criteria: Invitae Variant Classification Sherloc (09022015). Collection method: clinical testing. Allele origin: germline.
Comment: This missense change has been observed in individual(s) with clinical features of early infantile epileptic encephalopathy (PMID: 30343943). In at least one individual the variant was observed to be de novo. For these reasons, this variant has been classified as Pathogenic. Experimental studies have shown that this missense change affects CACNA1E function (PMID: 30343943). Advanced modeling of protein sequence and biophysical properties (such as structural, functional, and spatial information, amino acid conservation, physicochemical variation, residue mobility, and thermodynamic stability) performed at Invitae indicates that this missense variant is expected to disrupt CACNA1E protein function. ClinVar contains an entry for this variant (Variation ID: 617451). This variant is not present in population databases (gnomAD no frequency). This sequence change replaces isoleucine, which is neutral and non-polar, with valine, which is neutral and non-polar, at codon 701 of the CACNA1E protein (p.Ile701Val).

OMIM
Classification: Pathogenic for DEVELOPMENTAL AND EPILEPTIC ENCEPHALOPATHY 69. Last evaluated: 2020-11-18. Review status: no assertion criteria provided. Collection method: literature only. Allele origin: germline. Not counted in ClinVar's aggregate classification.

Yale Center for Mendelian Genomics, Yale University
Classification: Likely pathogenic for Developmental and epileptic encephalopathy. Last evaluated: 2018-11-01. Review status: no assertion criteria provided. Collection method: literature only. Allele origin: de novo. Affected: yes. Observed: 3 heterozygotes. Study: Yale Center for Mendelian Genomics. Not counted in ClinVar's aggregate classification.

Cytogénomique, Hospices Civils de Lyon
Classification: Pathogenic for Developmental and epileptic encephalopathy, 69. Review status: no assertion criteria provided. Collection method: clinical testing. Allele origin: unknown. Inheritance: Autosomal dominant inheritance. Affected: yes. Not counted in ClinVar's aggregate classification.

Literature cited by the submitters: PubMed 30343943 (cited by 3 submitters).